The following is an entry in ClinVar:

ClinVar aggregate classification (germline): Uncertain significance (1 of 4 stars; one submission).

Conditions:
Inborn genetic diseases. Identifiers: MedGen C0950123, MeSH D030342.

gnomAD v4.1: 1 of 1,585,966 alleles (0.000063%); highest among the groups gnomAD compares: Non-Finnish European, 0.000086%; no homozygotes.

Submission:

Ambry Genetics
Classification: Uncertain significance for Inborn genetic diseases. Last evaluated: 2025-05-16. Review status: criteria provided, single submitter. Criteria: Ambry Variant Classification Scheme 2023. Collection method: clinical testing. Allele origin: germline.
Comment: The p.C1344S variant (also known as c.4030T>A), located in coding exon 28 of the ANKRD26 gene, results from a T to A substitution at nucleotide position 4030. The cysteine at codon 1344 is replaced by serine, an amino acid with dissimilar properties. This amino acid position is conserved. In addition, this alteration is predicted to be tolerated by in silico analysis. Based on the available evidence, the clinical significance of this variant remains unclear.

NM_014915.3(ANKRD26):c.4030T>A (p.Cys1344Ser)

Gene: ANKRD26 (ankyrin repeat domain containing 26; minus strand). Cytogenetic location: 10p12.1.
Variant type: single nucleotide variant.
Coding change: c.4030T>A on transcript NM_014915.3 (MANE Select); coding-DNA position 4030, T replaced by A.
Protein change: p.Cys1344Ser; replaces cysteine 1344 with serine.
Molecular consequence: missense variant.
Genome position (GRCh38, 1-based): chr10:27,024,502, A>T on the plus strand (T>A on the coding strand, the complement: ANKRD26 is on the minus strand). VCF-style: chr10-27024502-A-T. GRCh37 (hg19) VCF-style: chr10-27313431-A-T.
Other names: c.4027T>A, p.Cys1343Ser (NM_001256053.2); short protein forms C1343S, C1344S.
Identifiers: ClinVar variation 3914476 (VCV003914476.1).